The following is an entry in ClinVar:

ClinVar aggregate classification (germline): Uncertain significance (1 of 4 stars; one submission).

Allele frequency attached by ClinVar (database versions not stated): gnomAD exomes 0.00001.
gnomAD v4.1: 8 of 1,613,624 alleles (0.0005%); highest among the groups gnomAD compares: East Asian, 0.0022%; no homozygotes.

Submission:

GeneDx
Classification: Uncertain significance. Last evaluated: 2022-08-01. Review status: criteria provided, single submitter. Criteria: GeneDx Variant Classification Process June 2021. Collection method: clinical testing. Allele origin: germline. Affected: yes.
Comment: Not observed at significant frequency in large population cohorts (gnomAD); In silico analysis supports that this missense variant does not alter protein structure/function; Has not been previously published as pathogenic or benign to our knowledge

NM_001039141.3(TRIOBP):c.433G>A (p.Asp145Asn)

Gene: TRIOBP (TRIO and F-actin binding protein; plus strand). Cytogenetic location: 22q13.1.
Variant type: single nucleotide variant.
Coding change: c.433G>A on transcript NM_001039141.3 (MANE Select); coding-DNA position 433, G replaced by A.
Protein change: p.Asp145Asn; replaces aspartic acid 145 with asparagine.
Molecular consequence: missense variant.
Genome position (GRCh38, 1-based): chr22:37,713,388, G>A. VCF-style: chr22-37713388-G-A. GRCh37 (hg19) VCF-style: chr22-38109395-G-A.
Other names: short protein forms D145N.
Identifiers: ClinVar variation 2428977 (VCV002428977.3), dbSNP rs1923358356, ClinGen allele CA411448726.